The following is an entry in ClinVar:

NM_152383.5(DIS3L2):c.2381G>T (p.Arg794Leu)

Gene: DIS3L2 (DIS3 like 3'-5' exoribonuclease 2; plus strand). Cytogenetic location: 2q37.1.
Variant type: single nucleotide variant.
Coding change: c.2381G>T on transcript NM_152383.5 (MANE Select); coding-DNA position 2381, G replaced by T.
Protein change: p.Arg794Leu; replaces arginine 794 with leucine.
Molecular consequence: missense variant. On other transcripts: non-coding transcript variant (2), intron variant (1).
Genome position (GRCh38, 1-based): chr2:232,334,722, G>T. VCF-style: chr2-232334722-G-T. GRCh37 (hg19) VCF-style: chr2-233199432-G-T.
Other names: c.1582-8623G>T (NM_001257281.2); short protein forms R794L.
Identifiers: ClinVar variation 1024235 (VCV001024235.8), dbSNP rs368280072, ClinGen allele CA350978092.

ClinVar aggregate classification (germline): Uncertain significance (1 of 4 stars; one submission).

Conditions:
Perlman syndrome (PRLMNS). Identifiers: Orphanet 2849, MedGen C0796113, MONDO:0009965, OMIM 267000.

Submission:

Labcorp Genetics (formerly Invitae), Labcorp
Classification: Uncertain significance for Perlman syndrome. Last evaluated: 2020-03-17. Review status: criteria provided, single submitter. Criteria: Invitae Variant Classification Sherloc (09022015). Collection method: clinical testing. Allele origin: germline.
Comment: This sequence change replaces arginine with leucine at codon 794 of the DIS3L2 protein (p.Arg794Leu). The arginine residue is moderately conserved and there is a moderate physicochemical difference between arginine and leucine. This variant has not been reported in the literature in individuals with DIS3L2-related conditions. Algorithms developed to predict the effect of missense changes on protein structure and function are either unavailable or do not agree on the potential impact of this missense change (SIFT: "Tolerated"; PolyPhen-2: "Probably Damaging"; Align-GVGD: "Class C0"). In summary, the available evidence is currently insufficient to determine the role of this variant in disease. Therefore, it has been classified as a Variant of Uncertain Significance. This variant is not present in population databases (ExAC no frequency).